The following is an entry in ClinVar:

NM_005458.8(GABBR2):c.1142G>A (p.Arg381Gln)

Gene: GABBR2 (gamma-aminobutyric acid type B receptor subunit 2; minus strand). Cytogenetic location: 9q22.33.
Variant type: single nucleotide variant.
Coding change: c.1142G>A on transcript NM_005458.8 (MANE Select); coding-DNA position 1142, G replaced by A.
Protein change: p.Arg381Gln; replaces arginine 381 with glutamine.
Molecular consequence: missense variant.
Genome position (GRCh38, 1-based): chr9:98,454,075, C>T on the plus strand (G>A on the coding strand, the complement: GABBR2 is on the minus strand). VCF-style: chr9-98454075-C-T. GRCh37 (hg19) VCF-style: chr9-101216357-C-T.
Other names: short protein forms R381Q.
Identifiers: ClinVar variation 1396434 (VCV001396434.20), dbSNP rs1008758499, ClinGen allele CA197067424.

ClinVar aggregate classification (germline): Conflicting classifications of pathogenicity. Review status: criteria provided, conflicting classifications (1 of 4 stars). 2 submissions from 2 submitters: Uncertain significance (1); Likely benign (1). Last evaluated 2024-10-01.

Conditions:
Epileptic encephalopathy. Identifiers: MedGen C0543888, HP:0200134.

Allele frequency attached by ClinVar (database versions not stated): gnomAD 0.00001; gnomAD exomes 0.00001 and 0.00002.

Submissions (2):

CeGaT Center for Human Genetics Tuebingen
Classification: Likely benign. Last evaluated: 2024-10-01. Review status: criteria provided, single submitter. Criteria: CeGaT Center For Human Genetics Tuebingen Variant Classification Criteria Version 2. Collection method: clinical testing. Allele origin: germline. Affected: yes. Observed: 1 variant allele.
Comment: GABBR2: BP4

Labcorp Genetics (formerly Invitae), Labcorp
Classification: Uncertain significance for Epileptic encephalopathy. Last evaluated: 2022-03-01. Review status: criteria provided, single submitter. Criteria: Invitae Variant Classification Sherloc (09022015). Collection method: clinical testing. Allele origin: germline.
Comment: In summary, the available evidence is currently insufficient to determine the role of this variant in disease. Therefore, it has been classified as a Variant of Uncertain Significance. Algorithms developed to predict the effect of missense changes on protein structure and function (SIFT, PolyPhen-2, Align-GVGD) all suggest that this variant is likely to be tolerated. This variant has not been reported in the literature in individuals affected with GABBR2-related conditions. This variant is present in population databases (no rsID available, gnomAD 0.01%). This sequence change replaces arginine, which is basic and polar, with glutamine, which is neutral and polar, at codon 381 of the GABBR2 protein (p.Arg381Gln).